The following is an entry in ClinVar:

NM_003072.5(SMARCA4):c.1587G>A (p.Arg529=)

Gene: SMARCA4 (SWI/SNF related BAF chromatin remodeling complex subunit ATPase 4; plus strand). Cytogenetic location: 19p13.2.
Variant type: single nucleotide variant.
Coding change: c.1587G>A on transcript NM_003072.5 (MANE Select); coding-DNA position 1587, G replaced by A.
Protein change: p.Arg529=; no amino-acid change (arginine 529 retained).
Molecular consequence: synonymous variant. On other transcripts: non-coding transcript variant (1).
Genome position (GRCh38, 1-based): chr19:10,994,995, G>A. VCF-style: chr19-10994995-G-A. GRCh37 (hg19) VCF-style: chr19-11105671-G-A.
Other names: c.1587G>A, p.Arg529= (NM_001128844.3, NM_001128845.2, NM_001128846.2 and 5 more transcripts).
Identifiers: ClinVar variation 486457 (VCV000486457.17), dbSNP rs1427734906, ClinGen allele CA505490410.
Genomic context (GRCh38, chr19:10,994,995, plus strand): 5'-CAACACGGAGCGGGAGCAGAAGAAAGAGAACGAGCGGATCGAGAAGGAGCGCATGCGGAG[G>A]CTCATGGTATGGTCCTGCCTTCTTGACGTGCGCTCTTCTACATGTGTAGCTGGTACTGCG-3'
Protein context (NP_003063.2, residues 519-539): NERIEKERMR[Arg529=]LMAEDEEGYR

ClinVar aggregate classification (germline): Benign/Likely benign. Review status: criteria provided, multiple submitters, no conflicts (2 of 4 stars). 3 submissions from 3 submitters: Benign (1); Likely benign (2). Last evaluated 2026-07-10.

Conditions:
Hereditary cancer-predisposing syndrome. Also called: Tumor predisposition; Neoplastic Syndromes, Hereditary; Hereditary Cancer Syndrome; Hereditary neoplastic syndrome. Identifiers: Orphanet 140162, MedGen C0027672, MeSH D009386, MONDO:0015356.
Rhabdoid tumor predisposition syndrome 2 (RTPS2). Identifiers: Orphanet 231108, Orphanet 69077, MedGen C2750074, MONDO:0013224, OMIM 613325.

Allele frequency attached by ClinVar (database versions not stated): gnomAD exomes below 0.00001 and 0.00001; TOPMed below 0.00001.
gnomAD v4.1: 7 of 1,611,558 alleles (0.00043%); highest among the groups gnomAD compares: Non-Finnish European, 0.00059%; no homozygotes.

Submissions (3):

Myriad Genetics, Inc.
Classification: Benign for Rhabdoid tumor predisposition syndrome 2. Last evaluated: 2026-07-10. Review status: criteria provided, single submitter. Criteria: Myriad Autosomal Dominant, Autosomal Recessive and X-Linked Classification Criteria (2023). Collection method: clinical testing. Allele origin: unknown.
Comment: This variant is considered benign. This variant is a silent/synonymous amino acid change and it is not expected to impact splicing.

Labcorp Genetics (formerly Invitae), Labcorp
Classification: Likely benign for Rhabdoid tumor predisposition syndrome 2. Last evaluated: 2026-01-27. Review status: criteria provided, single submitter. Criteria: Invitae Variant Classification Sherloc (09022015). Collection method: clinical testing. Allele origin: germline.

Ambry Genetics
Classification: Likely benign for Hereditary cancer-predisposing syndrome. Last evaluated: 2017-05-09. Review status: criteria provided, single submitter. Criteria: Ambry Variant Classification Scheme 2023. Collection method: clinical testing. Allele origin: germline.